The following is an entry in ClinVar:

NC_012920.1(MT-CO3):m.9481T>C

Gene: MT-CO3 (mitochondrially encoded cytochrome c oxidase III; plus strand).
Variant type: single nucleotide variant.
Genome position: chrM-9481-T-C.
Identifiers: ClinVar variation 693173 (VCV000693173.1), dbSNP rs1603222339, ClinGen allele CA414803036.

ClinVar aggregate classification (germline): Uncertain significance (1 of 4 stars; one submission).

Conditions:
Leigh syndrome (NULS). Also called: Leigh's necrotizing encephalopathy; Leigh's disease; Leigh Syndrome (mtDNA deletion); Leigh Disease; Subacute necrotizing encephalopathy; Necrotizing encephalopathy infantile subacute of Leigh. Identifiers: Orphanet 506, MedGen C2931891, MONDO:0009723, OMIM 256000.

Submission:

Wong Mito Lab, Molecular and Human Genetics, Baylor College of Medicine
Classification: Uncertain significance for Leigh syndrome. Last evaluated: 2019-10-17. Review status: criteria provided, single submitter. Criteria: Modified ACMG Guidelines (Unpublished). Collection method: clinical testing. Allele origin: germline.
Comment: The NC_012920.1:m.9481T>C (YP_003024032.1:p.Phe92Ser) variant in MTCO3 gene is interpretated to be a Uncertain Significance variant based on the modified ACMG guidelines (unpublished). This variant meets the following evidence codes: PP7